The following is an entry in ClinVar:

NM_003970.4(MYOM2):c.2682C>T (p.Gly894=)

Gene: MYOM2 (myomesin 2; plus strand). Cytogenetic location: 8p23.3.
Variant type: single nucleotide variant.
Coding change: c.2682C>T on transcript NM_003970.4 (MANE Select); coding-DNA position 2682, C replaced by T.
Protein change: p.Gly894=; no amino-acid change (glycine 894 retained).
Molecular consequence: synonymous variant.
Genome position (GRCh38, 1-based): chr8:2,102,729, C>T. VCF-style: chr8-2102729-C-T. GRCh37 (hg19) VCF-style: chr8-2050519-C-T.
Other names: NC_000008.10:g.2050519C>T.
Identifiers: ClinVar variation 3056723 (VCV003056723.3), dbSNP rs2294071, ClinGen allele CA170458625.

ClinVar aggregate classification (germline): Benign (0 of 4 stars; one submission).

Conditions:
MYOM2-related disorder. Also called: MYOM2-related condition.

Allele frequency attached by ClinVar (database versions not stated): gnomAD 0.08505; TOPMed 0.08689; ESP Exome Variant Server 0.09296; 1000 Genomes Project 30x 0.10353; 1000 Genomes Project 0.10463; gnomAD exomes 0.06822; ExAC 0.08047.
gnomAD v4.1: 113,262 of 1,613,688 alleles (7%); highest among the groups gnomAD compares: South Asian, 15%; 4,774 homozygotes.

Submissions (8):

PreventionGenetics, part of Exact Sciences
Classification: Benign for MYOM2-related condition. Last evaluated: 2019-11-04. Review status: no assertion criteria provided. Collection method: clinical testing. Allele origin: germline.
Comment: This variant is classified as benign based on ACMG/AMP sequence variant interpretation guidelines (Richards et al. 2015 PMID: 25741868, with internal and published modifications).

Dr. Peter K. Rogan Lab, Western University
No classification provided (evidence only). Condition: Thymoma. Review status: no classification provided. Collection method: in vitro. Allele origin: not applicable. Functional consequence: retained intron. Not counted in ClinVar's aggregate classification.

Dr. Peter K. Rogan Lab, Western University
No classification provided (evidence only). Condition: Thymoma. Review status: no classification provided. Collection method: in vitro. Allele origin: not applicable. Functional consequence: retained intron. Not counted in ClinVar's aggregate classification.

Dr. Peter K. Rogan Lab, Western University
No classification provided (evidence only). Condition: Thymoma. Review status: no classification provided. Collection method: in vitro. Allele origin: not applicable. Functional consequence: retained intron. Not counted in ClinVar's aggregate classification.

Dr. Peter K. Rogan Lab, Western University
No classification provided (evidence only). Condition: Thymoma. Review status: no classification provided. Collection method: in vitro. Allele origin: not applicable. Functional consequence: retained intron. Not counted in ClinVar's aggregate classification.

Dr. Peter K. Rogan Lab, Western University
No classification provided (evidence only). Condition: Thymoma. Review status: no classification provided. Collection method: in vitro. Allele origin: not applicable. Functional consequence: retained intron. Not counted in ClinVar's aggregate classification.

Dr. Peter K. Rogan Lab, Western University
No classification provided (evidence only). Condition: Thymoma. Review status: no classification provided. Collection method: in vitro. Allele origin: not applicable. Functional consequence: retained intron. Not counted in ClinVar's aggregate classification.

Dr. Peter K. Rogan Lab, Western University
No classification provided (evidence only). Condition: Cholangiocarcinoma. Review status: no classification provided. Collection method: in vitro. Allele origin: not applicable. Functional consequence: retained intron. Not counted in ClinVar's aggregate classification.